The following is an entry in ClinVar:

NM_000441.2(SLC26A4):c.397T>A (p.Ser133Thr)

Gene: SLC26A4 (solute carrier family 26 member 4; plus strand). Cytogenetic location: 7q22.3.
Variant type: single nucleotide variant.
Coding change: c.397T>A on transcript NM_000441.2 (MANE Select); coding-DNA position 397, T replaced by A.
Protein change: p.Ser133Thr; replaces serine 133 with threonine.
Molecular consequence: missense variant.
Genome position (GRCh38, 1-based): chr7:107,672,230, T>A. VCF-style: chr7-107672230-T-A. GRCh37 (hg19) VCF-style: chr7-107312675-T-A.
Other names: short protein forms S133T.
Identifiers: ClinVar variation 4834 (VCV000004834.18), dbSNP rs121908365, ClinGen allele CA253311.
Genomic context (GRCh38, chr7:107,672,230, plus strand): 5'-GTCGGATATGGTCTCTACTCTGCTTTTTTCCCTATCCTGACATACTTTATCTTTGGAACA[T>A]CAAGACATATCTCAGTTGGTAATTATAAGTATATTTTACAATTATATTTGCTCATGTTTA-3'
Protein context (NP_000432.1, residues 123-143): PILTYFIFGT[Ser133Thr]RHISVGPFPV

ClinVar aggregate classification (germline): Pathogenic/Likely pathogenic. Review status: criteria provided, multiple submitters, no conflicts (2 of 4 stars). 6 submissions from 6 submitters: Pathogenic (2); Likely pathogenic (1). 3 of the submissions do not count toward it. Last evaluated 2025-03-07.

Conditions:
Pendred syndrome (PDS). Also called: DEAFNESS WITH GOITER; GOITER-DEAFNESS SYNDROME; HYPOTHYROIDISM, CONGENITAL, DUE TO DYSHORMONOGENESIS, 2B; Pendred's syndrome; THYROID DYSHORMONOGENESIS 2B; THYROID HORMONOGENESIS, GENETIC DEFECT IN, 2B. Identifiers: Orphanet 705, MedGen C0271829, MONDO:0010134, OMIM 274600.
Autosomal recessive nonsyndromic hearing loss 4 (DFNB4). Also called: FOXI1-Related Pendred Syndrome; KCNJ10-Related Pendred Syndrome; DEAFNESS, AUTOSOMAL RECESSIVE 4, WITH ENLARGED VESTIBULAR AQUEDUCT, DIGENIC; NEUROSENSORY NONSYNDROMIC RECESSIVE DEAFNESS 4; Deafness, autosomal recessive 4, with enlarged vestibular aqueduct; Nonsyndromic enlarged vestibular aqueduct (NSEVA). Identifiers: Orphanet 90636, MedGen C3538946, MONDO:0010933, OMIM 600791.

gnomAD v4.1: 4 of 1,587,490 alleles (0.00025%); highest among the groups gnomAD compares: Middle Eastern, 0.017%; no homozygotes.

Submissions (6):

Women's Health and Genetics/Laboratory Corporation of America, LabCorp
Classification: Pathogenic for Pendred syndrome. Last evaluated: 2025-03-07. Review status: criteria provided, single submitter. Criteria: LabCorp Variant Classification Summary - May 2015. Collection method: clinical testing. Allele origin: germline.
Comment: Variant summary: SLC26A4 c.397T>A (p.Ser133Thr) results in a conservative amino acid change in the encoded protein sequence. Three of four in-silico tools predict a damaging effect of the variant on protein function. The variant was absent in 251354 control chromosomes (gnomAD). c.397T>A has been reported in the literature in individuals affected with Pendred Syndrome (Fugazzola_2002, Borck_2003). These data indicate that the variant is likely to be associated with disease. At least one publication reports experimental evidence evaluating an impact on protein function and this variant affected the SLC26A4 protein function (Wasano_2020). ClinVar contains an entry for this variant (Variation ID: 4834). Based on the evidence outlined above, the variant was classified as pathogenic.

Labcorp Genetics (formerly Invitae), Labcorp
Classification: Pathogenic. Last evaluated: 2022-02-18. Review status: criteria provided, single submitter. Criteria: Invitae Variant Classification Sherloc (09022015). Collection method: clinical testing. Allele origin: germline.
Comment: This sequence change replaces serine, which is neutral and polar, with threonine, which is neutral and polar, at codon 133 of the SLC26A4 protein (p.Ser133Thr). RNA analysis indicates that this missense change induces altered splicing and likely results in a shortened protein product. This variant is not present in population databases (gnomAD no frequency). This missense change has been observed in individual(s) with Pendred syndrome (PMID: 11919333, 12788906). In at least one individual the data is consistent with being in trans (on the opposite chromosome) from a pathogenic variant. It has also been observed to segregate with disease in related individuals. Advanced modeling of protein sequence and biophysical properties (such as structural, functional, and spatial information, amino acid conservation, physicochemical variation, residue mobility, and thermodynamic stability) performed at Invitae indicates that this missense variant is expected to disrupt SLC26A4 protein function. Studies have shown that this missense change results in skipping of exon 4, but is expected to preserve the integrity of the reading-frame (PMID: 32747562). For these reasons, this variant has been classified as Pathogenic. ClinVar contains an entry for this variant (Variation ID: 4834).

King Laboratory, University of Washington
Classification: Likely pathogenic for Autosomal recessive nonsyndromic hearing loss 4. Last evaluated: 2020-08-01. Review status: criteria provided, single submitter. Criteria: Abu Rayyan A et al. (Proc Natl Acad Sci U S A 2020). Collection method: research. Allele origin: germline. Affected: yes.
Comment: Analysis of patient-derived RNA indicates that SLC26A4 c.397T>A leads to skipping of exon 4 (111bp) in message, with loss of aa 102-138 of TM1 and TM2 (Abu Rayyan 2020). It is absent from 1300 Palestinian controls and from gnomAD v2.1.1.

National Institute of Sensory Organs, National Hospital Organization Tokyo Medical Center
Classification: Affects for Autosomal recessive nonsyndromic hearing loss 4. Last evaluated: 2019-08-20. Review status: no assertion criteria provided. Collection method: literature only, in vitro. Allele origin: germline. Inheritance: Autosomal recessive inheritance. Affected: yes. Functional consequence: loss_of_function_variant. Not counted in ClinVar's aggregate classification.
Comment: in vitro experiment

Counsyl
Classification: Likely pathogenic for Pendred syndrome. Last evaluated: 2017-05-03. Review status: no assertion criteria provided. Collection method: clinical testing. Allele origin: unknown. Not counted in ClinVar's aggregate classification.

OMIM
Classification: Pathogenic for PENDRED SYNDROME. Last evaluated: 2003-06-01. Review status: no assertion criteria provided. Collection method: literature only. Allele origin: germline. Not counted in ClinVar's aggregate classification.

Literature cited by the submitters: PubMed 31599023 (cited by Women's Health and Genetics/Laboratory Corporation of America, LabCorp and National Institute of Sensory Organs, National Hospital Organization Tokyo Medical Center); PubMed 11919333 (cited by 4 submitters); PubMed 12788906 (cited by 5 submitters); PubMed 32747562 (cited by Labcorp Genetics (formerly Invitae), Labcorp); PubMed 27344577 (cited by National Institute of Sensory Organs, National Hospital Organization Tokyo Medical Center and Counsyl); PubMed 27771369 (cited by National Institute of Sensory Organs, National Hospital Organization Tokyo Medical Center); PubMed 16570074 (cited by Counsyl).